The following is an entry in ClinVar:

ClinVar aggregate classification (germline): Uncertain significance. Review status: criteria provided, single submitter (1 of 4 stars). 2 submissions from 2 submitters: Uncertain significance (1). 1 of the submissions does not count toward it. Last evaluated 2022-05-17.

Conditions:
Glutaric acidemia type 2C.
Multiple acyl-CoA dehydrogenase deficiency (MADD). Also called: Glutaric Acidemia type 2; ETHYLMALONIC-ADIPICACIDURIA; GA II; Glutaric aciduria, type 2; Glutaric acidemia type II; GA 2. Identifiers: Orphanet 26791, MedGen C0268596, MONDO:0009282, OMIM 231680.

gnomAD v4.1: 1 of 1,614,086 alleles (0.000062%); highest among the groups gnomAD compares: African/African-American, 0.0013%; no homozygotes.

Submissions (2):

Labcorp Genetics (formerly Invitae), Labcorp
Classification: Uncertain significance for Multiple acyl-CoA dehydrogenase deficiency. Last evaluated: 2022-05-17. Review status: criteria provided, single submitter. Criteria: Invitae Variant Classification Sherloc (09022015). Collection method: clinical testing. Allele origin: germline.
Comment: This variant has not been reported in the literature in individuals affected with ETFDH-related conditions. This sequence change replaces leucine, which is neutral and non-polar, with serine, which is neutral and polar, at codon 90 of the ETFDH protein (p.Leu90Ser). This variant is present in population databases (rs749085653, gnomAD 0.007%). Advanced modeling of protein sequence and biophysical properties (such as structural, functional, and spatial information, amino acid conservation, physicochemical variation, residue mobility, and thermodynamic stability) performed at Invitae indicates that this missense variant is expected to disrupt ETFDH protein function. In summary, the available evidence is currently insufficient to determine the role of this variant in disease. Therefore, it has been classified as a Variant of Uncertain Significance.

Natera, Inc.
Classification: Uncertain significance for Glutaric acidemia type 2C. Last evaluated: 2025-05-22. Review status: no assertion criteria provided. Collection method: clinical testing. Allele origin: germline. Not counted in ClinVar's aggregate classification.

NM_004453.4(ETFDH):c.269T>C (p.Leu90Ser)

Gene: ETFDH (electron transfer flavoprotein dehydrogenase; plus strand). Cytogenetic location: 4q32.1.
Variant type: single nucleotide variant.
Coding change: c.269T>C on transcript NM_004453.4 (MANE Select); coding-DNA position 269, T replaced by C.
Protein change: p.Leu90Ser; replaces leucine 90 with serine.
Molecular consequence: missense variant.
Genome position (GRCh38, 1-based): chr4:158,682,288, T>C. VCF-style: chr4-158682288-T-C. GRCh37 (hg19) VCF-style: chr4-159603440-T-C.
Other names: c.128T>C, p.Leu43Ser (NM_001281737.2); c.86T>C, p.Leu29Ser (NM_001281738.1); c.269T>C (NM_004453.3); short protein forms L43S, L90S, L29S.
Identifiers: ClinVar variation 2042852 (VCV002042852.5), dbSNP rs749085653, ClinGen allele CA3122311.